The following is an entry in ClinVar:

NM_000093.5(COL5A1):c.1804C>A (p.Pro602Thr)

Gene: COL5A1 (collagen type V alpha 1 chain; plus strand). Cytogenetic location: 9q34.3.
Variant type: single nucleotide variant.
Coding change: c.1804C>A on transcript NM_000093.5 (MANE Select); coding-DNA position 1804, C replaced by A.
Protein change: p.Pro602Thr; replaces proline 602 with threonine.
Molecular consequence: missense variant.
Genome position (GRCh38, 1-based): chr9:134,754,303, C>A. VCF-style: chr9-134754303-C-A. GRCh37 (hg19) VCF-style: chr9-137646149-C-A.
Other names: c.1804C>A, p.Pro602Thr (NM_001278074.1); short protein forms P602T.
Identifiers: ClinVar variation 3373743 (VCV003373743.1).

ClinVar aggregate classification (germline): Uncertain significance (1 of 4 stars; one submission).

Submission:

GeneDx
Classification: Uncertain significance. Last evaluated: 2024-03-06. Review status: criteria provided, single submitter. Criteria: GeneDx Variant Classification Process June 2021. Collection method: clinical testing. Allele origin: germline. Affected: yes.
Comment: Not observed at significant frequency in large population cohorts (gnomAD); In silico analysis supports that this missense variant has a deleterious effect on protein structure/function; Has not been previously published as pathogenic or benign to our knowledge; Occurs in the triple helical domain at the {X/Y} position in the canonical Gly-X-Y repeat; although this variant may have an effect on normal protein folding and function, missense substitution at the {X/Y} position is not a common mechanism of disease (PMID: 22696272; HGMD); This variant is associated with the following publications: (PMID: 22696272)